The following is an entry in ClinVar:

NM_024422.6(DSC2):c.1426C>A (p.Gln476Lys)

Gene: DSC2 (desmocollin 2; minus strand). Cytogenetic location: 18q12.1.
Variant type: single nucleotide variant.
Coding change: c.1426C>A on transcript NM_024422.6 (MANE Select); coding-DNA position 1426, C replaced by A.
Protein change: p.Gln476Lys; replaces glutamine 476 with lysine.
Molecular consequence: missense variant.
Genome position (GRCh38, 1-based): chr18:31,080,190, G>T on the plus strand (C>A on the coding strand, the complement: DSC2 is on the minus strand). VCF-style: chr18-31080190-G-T. GRCh37 (hg19) VCF-style: chr18-28660156-G-T.
Other names: c.997C>A, p.Gln333Lys (NM_001406506.1, NM_001406507.1); c.1426C>A, p.Gln476Lys (NM_004949.5); short protein forms Q333K, Q476K.
Identifiers: ClinVar variation 3074561 (VCV003074561.1), dbSNP rs2510946980, ClinGen allele CA402108527.

ClinVar aggregate classification (germline): Uncertain significance (1 of 4 stars; one submission).

Conditions:
Familial isolated arrhythmogenic right ventricular dysplasia. Identifiers: Orphanet 217656, MedGen C4274968, MONDO:0016342.

Submission:

All of Us Research Program, National Institutes of Health
Classification: Uncertain significance for Familial isolated arrhythmogenic right ventricular dysplasia. Last evaluated: 2023-11-20. Review status: criteria provided, single submitter. Criteria: ACMG Guidelines, 2015. Collection method: clinical testing. Allele origin: germline. Inheritance: Autosomal dominant inheritance. Observed: 1 variant allele, 1 heterozygote.
Comment: This missense variant replaces glutamine with lysine at codon 476 of the DSC2 protein. Computational prediction suggests that this variant may not impact protein structure and function (internally defined REVEL score threshold <= 0.5, PMID: 27666373). To our knowledge, functional studies have not been reported for this variant. This variant has not been reported in individuals affected with DSC2-related disorders in the literature. This variant has not been identified in the general population by the Genome Aggregation Database (gnomAD). The available evidence is insufficient to determine the role of this variant in disease conclusively. Therefore, this variant is classified as a Variant of Uncertain Significance.

This study involves interpretation of variants in research participants for the purpose of population health screening. Participant phenotype was not available at the time of variant classification. Additional details can be found in publication PMID: 35346344, PMCID: PMC8962531